The following is an entry in ClinVar:

ClinVar aggregate classification (germline): Likely benign. Review status: criteria provided, multiple submitters, no conflicts (2 of 4 stars). 4 submissions from 4 submitters: Likely benign (3). 1 of the submissions does not count toward it. Last evaluated 2025-11-12.

Conditions:
FUS-related disorder. Also called: FUS-related condition.
Inborn genetic diseases. Identifiers: MedGen C0950123, MeSH D030342.
Amyotrophic lateral sclerosis type 6. Also called: Amyotrophic lateral sclerosis 6, with or without frontotemporal dementia; FUS-Related Amyotrophic Laterial Sclerosis; AMYOTROPHIC LATERAL SCLEROSIS 6 WITHOUT FRONTOTEMPORAL DEMENTIA. Identifiers: Orphanet 275872, Orphanet 803, MedGen C2931786, MONDO:0011951, OMIM 608030.
Tremor, hereditary essential, 4 (ETM4). Identifiers: MedGen C3539195, MONDO:0013888, OMIM 614782.

Allele frequency attached by ClinVar (database versions not stated): gnomAD 0.00003 and 0.00004; gnomAD exomes 0.00004; TOPMed 0.00006; ExAC 0.00007; ESP Exome Variant Server 0.00008; 1000 Genomes Project 30x 0.00016; 1000 Genomes Project 0.00020.
gnomAD v4.1: 66 of 1,613,962 alleles (0.0041%); highest among the groups gnomAD compares: Middle Eastern, 0.049%; no homozygotes.

Submissions (4):

Labcorp Genetics (formerly Invitae), Labcorp
Classification: Likely benign for Tremor, hereditary essential, 4; Amyotrophic lateral sclerosis type 6. Last evaluated: 2025-11-12. Review status: criteria provided, single submitter. Criteria: Invitae Variant Classification Sherloc (09022015). Collection method: clinical testing. Allele origin: germline.

CeGaT Center for Human Genetics Tuebingen
Classification: Likely benign. Last evaluated: 2025-10-01. Review status: criteria provided, single submitter. Criteria: CeGaT Center For Human Genetics Tuebingen Variant Classification Criteria Version 2. Collection method: clinical testing. Allele origin: germline. Affected: yes. Observed: 1 variant allele.
Comment: FUS: BP4, BP7

Ambry Genetics
Classification: Likely benign for Inborn genetic diseases. Last evaluated: 2023-05-19. Review status: criteria provided, single submitter. Criteria: Ambry Variant Classification Scheme 2023. Collection method: clinical testing. Allele origin: germline.

PreventionGenetics, part of Exact Sciences
Classification: Likely benign for FUS-related condition. Last evaluated: 2023-10-18. Review status: no assertion criteria provided. Collection method: clinical testing. Allele origin: germline. Not counted in ClinVar's aggregate classification.
Comment: This variant is classified as likely benign based on ACMG/AMP sequence variant interpretation guidelines (Richards et al. 2015 PMID: 25741868, with internal and published modifications).

NM_004960.4(FUS):c.300T>C (p.Tyr100=)

Gene: FUS (FUS DNA/RNA binding protein; plus strand). Cytogenetic location: 16p11.2.
Variant type: single nucleotide variant.
Coding change: c.300T>C on transcript NM_004960.4 (MANE Select); coding-DNA position 300, T replaced by C.
Protein change: p.Tyr100=; no amino-acid change (tyrosine 100 retained).
Molecular consequence: synonymous variant. On other transcripts: non-coding transcript variant (1).
Genome position (GRCh38, 1-based): chr16:31,183,967, T>C. VCF-style: chr16-31183967-T-C. GRCh37 (hg19) VCF-style: chr16-31195288-T-C.
Other names: c.297T>C, p.Tyr99= (NM_001170634.1); c.300T>C, p.Tyr100= (NM_001170937.1); c.300T>C (NM_004960.3).
Identifiers: ClinVar variation 1539279 (VCV001539279.17), dbSNP rs376424892, ClinGen allele CA8023566.